The following is an entry in ClinVar:

ClinVar aggregate classification (germline): Conflicting classifications of pathogenicity. Review status: criteria provided, conflicting classifications (1 of 4 stars). 5 submissions from 5 submitters: Likely pathogenic (1); Uncertain significance (3). 1 of the submissions does not count toward it. Last evaluated 2022-10-13.

Conditions:
MHC class II deficiency. Also called: Bare lymphocyte syndrome 2; BLS, TYPE II. Identifiers: Orphanet 572, MedGen C5447452, MONDO:0008855.
MHC class II deficiency 2. Also called: Bare lymphocyte syndrome, type II, complementation group B. Identifiers: MedGen C1859535, MONDO:0971013, OMIM 620815.

Allele frequency attached by ClinVar (database versions not stated): gnomAD exomes below 0.00001; gnomAD 0.00001; TOPMed 0.00001.
gnomAD v4.1: 6 of 1,612,846 alleles (0.00037%); highest among the groups gnomAD compares: African/African-American, 0.0027%; no homozygotes.

Submissions (6):

Blueprint Genetics
Classification: Uncertain significance. Last evaluated: 2022-10-13. Review status: criteria provided, single submitter. Criteria: ACMG Guidelines, 2015. Collection method: clinical testing. Allele origin: germline.

3billion
Classification: Uncertain significance for MHC class II deficiency 1. Last evaluated: 2022-05-22. Review status: criteria provided, single submitter. Criteria: ACMG Guidelines, 2015. Collection method: clinical testing. Allele origin: germline. Affected: yes. Observed: 1 homozygote.
Comment: The variant is observed at an extremely low frequency in the gnomAD v2.1.1 dataset (total allele frequency: <0.001%). In silico tools predict the variant to alter splicing and produce an abnormal transcript (SpliceAI: 0.84). Therefore, this variant is classified as uncertain significanceaccording to the recommendation of ACMG/AMP guideline.

Labcorp Genetics (formerly Invitae), Labcorp
Classification: Uncertain significance for MHC class II deficiency. Last evaluated: 2021-09-01. Review status: criteria provided, single submitter. Criteria: Invitae Variant Classification Sherloc (09022015). Collection method: clinical testing. Allele origin: germline.
Comment: This sequence change falls in intron 6 of the RFXANK gene. It does not directly change the encoded amino acid sequence of the RFXANK protein. It affects a nucleotide within the consensus splice site of the intron. This variant is not present in population databases (ExAC no frequency). This variant has been observed in individual(s) with MHC II deficiency (PMID: 27980538). Variants that disrupt the consensus splice site are a relatively common cause of aberrant splicing (PMID: 17576681, 9536098). Algorithms developed to predict the effect of sequence changes on RNA splicing suggest that this variant may disrupt the consensus splice site. In summary, the available evidence is currently insufficient to determine the role of this variant in disease. Therefore, it has been classified as a Variant of Uncertain Significance.

Institute of Human Genetics, University of Leipzig Medical Center
Classification: Likely pathogenic for MHC class II deficiency 1. Last evaluated: 2017-01-01. Review status: criteria provided, single submitter. Criteria: ACMG Guidelines, 2015. Collection method: clinical testing. Allele origin: germline. Affected: yes. Observed: 1 variant allele.

OMIM
Classification: Pathogenic for MHC CLASS II DEFICIENCY 2. Last evaluated: 2024-05-23. Review status: no assertion criteria provided. Collection method: literature only. Allele origin: germline. Not counted in ClinVar's aggregate classification.

Dr. Peter K. Rogan Lab, Western University
No classification provided (evidence only). Condition: Uterine corpus endometrial carcinoma. Review status: no classification provided. Collection method: in vitro. Allele origin: not applicable. Functional consequence: skipped exon. Not counted in ClinVar's aggregate classification.

Literature cited by the submitters: PubMed 27980538 (cited by Labcorp Genetics (formerly Invitae), Labcorp); PubMed 17576681 (cited by Labcorp Genetics (formerly Invitae), Labcorp); PubMed 9536098 (cited by Labcorp Genetics (formerly Invitae), Labcorp); PubMed 37584719 (cited by OMIM).

NM_003721.4(RFXANK):c.438+5G>A

Gene: RFXANK (regulatory factor X associated ankyrin containing protein; plus strand). Cytogenetic location: 19p13.11.
Variant type: single nucleotide variant.
Coding change: c.438+5G>A on transcript NM_003721.4 (MANE Select); 5 bases into the intron after coding-DNA position 438, G replaced by A.
Molecular consequence: intron variant.
Genome position (GRCh38, 1-based): chr19:19,197,626, G>A. VCF-style: chr19-19197626-G-A. GRCh37 (hg19) VCF-style: chr19-19308435-G-A.
Other names: IVS6DS, G-A, +5; c.372+5G>A (NM_001278727.2, NM_001370234.1); c.369+5G>A (NM_134440.3, NM_001278728.2); c.435+5G>A (NM_001370235.1, NM_001370237.1, NM_001370236.1); c.438+5G>A (NM_001370238.1, NM_001370233.1).
Identifiers: ClinVar variation 844671 (VCV000844671.12), dbSNP rs1196984337, ClinGen allele CA632383167.
Genomic context (GRCh38, chr19:19,197,626, plus strand): 5'-TCATCTGGGCCTCCGCCTTTGGAGAGATTGAGACCGTTCGCTTCCTGCTGGAGTGGGTGC[G>A]TCCCAGCCCAGCTGGGCAGCTGGGGGGTTCCCGGGGGCCTTAGGGTGGGCTGGGGTTTTG-3'